The following is an entry in ClinVar:

ClinVar aggregate classification (germline): Uncertain significance (1 of 4 stars; one submission).

Conditions:
Cardiovascular phenotype. Identifiers: MedGen CN230736.

Allele frequency attached by ClinVar (database versions not stated): gnomAD 0.00001.
gnomAD v4.1: 6 of 1,614,000 alleles (0.00037%); highest among the groups gnomAD compares: Non-Finnish European, 0.00025%; no homozygotes.

Submission:

Ambry Genetics
Classification: Uncertain significance for Cardiovascular phenotype. Last evaluated: 2019-10-24. Review status: criteria provided, single submitter. Criteria: Ambry Variant Classification Scheme 2023. Collection method: clinical testing. Allele origin: germline.
Comment: The p.E1492D variant (also known as c.4476G>C), located in coding exon 29 of the MYH6 gene, results from a G to C substitution at nucleotide position 4476. The glutamic acid at codon 1492 is replaced by aspartic acid, an amino acid with highly similar properties. This amino acid position is highly conserved in available vertebrate species. In addition, the in silico prediction for this alteration is inconclusive. Since supporting evidence is limited at this time, the clinical significance of this alteration remains unclear.

NM_002471.4(MYH6):c.4476G>C (p.Glu1492Asp)

Gene: MYH6 (myosin heavy chain 6; minus strand). Cytogenetic location: 14q11.2.
Variant type: single nucleotide variant.
Coding change: c.4476G>C on transcript NM_002471.4 (MANE Select); coding-DNA position 4476, G replaced by C.
Protein change: p.Glu1492Asp; replaces glutamic acid 1492 with aspartic acid.
Molecular consequence: missense variant.
Genome position (GRCh38, 1-based): chr14:23,387,807, C>G on the plus strand (G>C on the coding strand, the complement: MYH6 is on the minus strand). VCF-style: chr14-23387807-C-G. GRCh37 (hg19) VCF-style: chr14-23857016-C-G.
Other names: short protein forms E1492D.
Identifiers: ClinVar variation 1740857 (VCV001740857.2), dbSNP rs1279525266, ClinGen allele CA388997267.
Genomic context (GRCh38, chr14:23,387,807, plus strand): 5'-CCCCAGCACACCCTGAAGGTTCTTGTTCTCCCGCTTGAAGGTCTCTAGGTGCTCCAGGGA[C>G]TCCTCGTAGGCGTTCTTGAGCTTGAAGAGCTCTGTGCTGAGGGAGCGAGCCTCCTTCTGT-3'
Protein context (NP_002462.2, residues 1482-1502): ELFKLKNAYE[Glu1492Asp]SLEHLETFKR